The following is an entry in ClinVar:

NM_006946.4(SPTBN2):c.5276A>G (p.Asn1759Ser)

Gene: SPTBN2 (spectrin beta, non-erythrocytic 2; minus strand). Cytogenetic location: 11q13.2.
Variant type: single nucleotide variant.
Coding change: c.5276A>G on transcript NM_006946.4 (MANE Select); coding-DNA position 5276, A replaced by G.
Protein change: p.Asn1759Ser; replaces asparagine 1759 with serine.
Molecular consequence: missense variant.
Genome position (GRCh38, 1-based): chr11:66,691,573, T>C on the plus strand (A>G on the coding strand, the complement: SPTBN2 is on the minus strand). VCF-style: chr11-66691573-T-C. GRCh37 (hg19) VCF-style: chr11-66459044-T-C.
Other names: p.Asn1759Ser; c.5276A>G (NM_006946.3, NM_006946.2); c.5297A>G, p.Asn1766Ser (NM_001411025.1); short protein forms N1759S, N1766S.
Identifiers: ClinVar variation 2908084 (VCV002908084.4), dbSNP rs201712933, ClinGen allele CA6128309.

ClinVar aggregate classification (germline): Conflicting classifications of pathogenicity. Review status: criteria provided, conflicting classifications (1 of 4 stars). 3 submissions from 3 submitters: Uncertain significance (2); Benign (1). Last evaluated 2025-09-28.

Conditions:
Inborn genetic diseases. Identifiers: MedGen C0950123, MeSH D030342.

Allele frequency attached by ClinVar (database versions not stated): TOPMed 0.00004; gnomAD 0.00005; ESP Exome Variant Server 0.00008; gnomAD exomes 0.00009; ExAC 0.00016.
gnomAD v4.1: 144 of 1,613,714 alleles (0.0089%); highest among the groups gnomAD compares: South Asian, 0.072%; 1 homozygote.

Submissions (3):

Ambry Genetics
Classification: Uncertain significance for Inborn genetic diseases. Last evaluated: 2025-09-28. Review status: criteria provided, single submitter. Criteria: Ambry Variant Classification Scheme 2023. Collection method: clinical testing. Allele origin: germline.

Mayo Clinic Laboratories, Mayo Clinic
Classification: Uncertain significance. Last evaluated: 2025-09-26. Review status: criteria provided, single submitter. Criteria: ACMG Guidelines, 2015. Collection method: clinical testing. Allele origin: germline. Observed: 1 variant allele.
Comment: BP4_moderate

Labcorp Genetics (formerly Invitae), Labcorp
Classification: Benign. Last evaluated: 2024-05-02. Review status: criteria provided, single submitter. Criteria: Invitae Variant Classification Sherloc (09022015). Collection method: clinical testing. Allele origin: germline.